The following is an entry in ClinVar:

ClinVar aggregate classification (germline): Uncertain significance (1 of 4 stars; one submission).

Conditions:
Neurodegeneration with brain iron accumulation 6 (NBIA6). Also called: COASY protein-associated neurodegeneration. Identifiers: Orphanet 397725, MedGen C4517377, MONDO:0014290, OMIM 615643.

Allele frequency attached by ClinVar (database versions not stated): gnomAD 0.00001; gnomAD exomes 0.00001.
gnomAD v4.1: 7 of 1,614,050 alleles (0.00043%); highest among the groups gnomAD compares: Non-Finnish European, 0.00059%; no homozygotes.

Submission:

Labcorp Genetics (formerly Invitae), Labcorp
Classification: Uncertain significance for Neurodegeneration with brain iron accumulation 6. Last evaluated: 2022-04-20. Review status: criteria provided, single submitter. Criteria: Invitae Variant Classification Sherloc (09022015). Collection method: clinical testing. Allele origin: germline.
Comment: This sequence change replaces arginine, which is basic and polar, with glutamine, which is neutral and polar, at codon 146 of the COASY protein (p.Arg146Gln). This variant is not present in population databases (gnomAD no frequency). This variant has not been reported in the literature in individuals affected with COASY-related conditions. Algorithms developed to predict the effect of missense changes on protein structure and function output the following: SIFT: "Tolerated"; PolyPhen-2: "Benign"; Align-GVGD: "Class C0". The glutamine amino acid residue is found in multiple mammalian species, which suggests that this missense change does not adversely affect protein function. In summary, the available evidence is currently insufficient to determine the role of this variant in disease. Therefore, it has been classified as a Variant of Uncertain Significance.

NM_025233.7(COASY):c.437G>A (p.Arg146Gln)

Gene: COASY (Coenzyme A synthase; plus strand). Cytogenetic location: 17q21.2.
Variant type: single nucleotide variant.
Coding change: c.437G>A on transcript NM_025233.7 (MANE Select); coding-DNA position 437, G replaced by A.
Protein change: p.Arg146Gln; replaces arginine 146 with glutamine.
Molecular consequence: missense variant.
Genome position (GRCh38, 1-based): chr17:42,563,059, G>A. VCF-style: chr17-42563059-G-A. GRCh37 (hg19) VCF-style: chr17-40715077-G-A.
Other names: c.437G>A, p.Arg146Gln (NM_001042529.3); c.524G>A, p.Arg175Gln (NM_001042532.4); short protein forms R146Q, R175Q.
Identifiers: ClinVar variation 2161697 (VCV002161697.4), dbSNP rs2092984887, ClinGen allele CA399617961.